The following is an entry in ClinVar:

ClinVar aggregate classification (germline): Likely benign. Review status: criteria provided, single submitter (1 of 4 stars). 2 submissions from 2 submitters: Likely benign (1). 1 of the submissions does not count toward it. Last evaluated 2024-02-17.

Conditions:
ERMARD-related disorder. Also called: ERMARD-related condition.

Allele frequency attached by ClinVar (database versions not stated): ExAC 0.00001.
gnomAD v4.1: 2 of 1,614,128 alleles (0.00012%); highest among the groups gnomAD compares: East Asian, 0.0045%; no homozygotes.

Submissions (2):

Labcorp Genetics (formerly Invitae), Labcorp
Classification: Likely benign. Last evaluated: 2024-02-17. Review status: criteria provided, single submitter. Criteria: Invitae Variant Classification Sherloc (09022015). Collection method: clinical testing. Allele origin: germline.

PreventionGenetics, part of Exact Sciences
Classification: Likely benign for ERMARD-related condition. Last evaluated: 2020-10-12. Review status: no assertion criteria provided. Collection method: clinical testing. Allele origin: germline. Not counted in ClinVar's aggregate classification.
Comment: This variant is classified as likely benign based on ACMG/AMP sequence variant interpretation guidelines (Richards et al. 2015 PMID: 25741868, with internal and published modifications).

NM_018341.3(ERMARD):c.921C>A (p.Ala307=)

Gene: ERMARD (ER membrane associated RNA degradation; plus strand). Cytogenetic location: 6q27.
Variant type: single nucleotide variant.
Coding change: c.921C>A on transcript NM_018341.3 (MANE Select); coding-DNA position 921, C replaced by A.
Protein change: p.Ala307=; no amino-acid change (alanine 307 retained).
Molecular consequence: synonymous variant.
Genome position (GRCh38, 1-based): chr6:169,762,492, C>A. VCF-style: chr6-169762492-C-A. GRCh37 (hg19) VCF-style: chr6-170162588-C-A.
Other names: c.921C>A, p.Ala307= (NM_001278531.2, NM_001278533.2); c.543C>A, p.Ala181= (NM_001278532.2); c.921C>A (NM_018341.2).
Identifiers: ClinVar variation 1575120 (VCV001575120.10), dbSNP rs760535940, ClinGen allele CA4106045.